The following is an entry in ClinVar:

ClinVar aggregate classification (germline): Benign/Likely benign. Review status: criteria provided, multiple submitters, no conflicts (2 of 4 stars). 7 submissions from 7 submitters: Benign (2); Likely benign (3). 2 of the submissions do not count toward it. Last evaluated 2026-01-29.

Conditions:
Methylmalonic aciduria, cblA type (MACA). Also called: Methylmalonic aciduria, vitamin b12-responsive, due to defect in synthesis of adenosylcobalamin, cbla complementation type; MMA cbl A type; Methylmalonic acidemia cblA type; Methylmalonic aciduria, vitamin B12-responsive; Vitamin B12-responsive methylmalonic acidemia type cblA. Identifiers: Orphanet 28, Orphanet 79310, MedGen C1855109, MONDO:0009613, OMIM 251100.
MMAA-related disorder. Also called: MMAA-related condition.
Methylmalonic acidemia (MMA). Also called: Isolated Methylmalonic Acidemia. Identifiers: MedGen C0268583, MeSH C537358, MONDO:0002012, HP:0002912.

Allele frequency attached by ClinVar (database versions not stated): gnomAD exomes 0.00027 and 0.00075; ExAC 0.00087; ESP Exome Variant Server 0.00231; 1000 Genomes Project 0.00240; gnomAD 0.00244 and 0.00262; TOPMed 0.00280; 1000 Genomes Project 30x 0.00328.
gnomAD v4.1: 774 of 1,614,054 alleles (0.048%); highest among the groups gnomAD compares: African/African-American, 0.87%; 6 homozygotes.

Submissions (7):

Labcorp Genetics (formerly Invitae), Labcorp
Classification: Benign for Methylmalonic aciduria, cblA type. Last evaluated: 2026-01-29. Review status: criteria provided, single submitter. Criteria: Invitae Variant Classification Sherloc (09022015). Collection method: clinical testing. Allele origin: germline.

Mayo Clinic Laboratories, Mayo Clinic
Classification: Benign. Last evaluated: 2025-01-20. Review status: criteria provided, single submitter. Criteria: ACMG Guidelines, 2015. Collection method: clinical testing. Allele origin: germline. Observed: 1 variant allele.
Comment: BA1, BP4, BP7

GeneDx
Classification: Likely benign. Last evaluated: 2018-03-05. Review status: criteria provided, single submitter. Criteria: GeneDx Variant Classification (06012015). Collection method: clinical testing. Allele origin: germline. Affected: yes.
Comment: This variant is considered likely benign or benign based on one or more of the following criteria: it is a conservative change, it occurs at a poorly conserved position in the protein, it is predicted to be benign by multiple in silico algorithms, and/or has population frequency not consistent with disease.

Illumina Laboratory Services, Illumina
Classification: Likely benign for Methylmalonic aciduria, cblA type. Last evaluated: 2018-01-13. Review status: criteria provided, single submitter. Criteria: ICSL Variant Classification Criteria 13 December 2019. Collection method: clinical testing. Allele origin: germline.
Comment: This variant was observed in the ICSL laboratory as part of a predisposition screen in an ostensibly healthy population. It had not been previously curated by ICSL or reported in the Human Gene Mutation Database (HGMD: prior to June 1st, 2018), and was therefore a candidate for classification through an automated scoring system. Utilizing variant allele frequency, disease prevalence and penetrance estimates, and inheritance mode, an automated score was calculated to assess if this variant is too frequent to cause the disease. Based on the score and internal cut-off values, a variant classified as likely benign is not then subjected to further curation. The score for this variant resulted in a classification of likely benign for this disease.

Breakthrough Genomics
Classification: Likely benign. Review status: criteria provided, single submitter. Criteria: ACMG Guidelines, 2015. Collection method: not provided. Allele origin: germline. Inheritance: Autosomal recessive inheritance. Affected: yes.

PreventionGenetics, part of Exact Sciences
Classification: Benign for MMAA-related condition. Last evaluated: 2024-07-10. Review status: no assertion criteria provided. Collection method: clinical testing. Allele origin: germline. Not counted in ClinVar's aggregate classification.
Comment: This variant is classified as benign based on ACMG/AMP sequence variant interpretation guidelines (Richards et al. 2015 PMID: 25741868, with internal and published modifications).

Natera, Inc.
Classification: Benign for Methylmalonic acidemia. Last evaluated: 2020-04-16. Review status: no assertion criteria provided. Collection method: clinical testing. Allele origin: germline. Not counted in ClinVar's aggregate classification.

NM_172250.3(MMAA):c.597G>A (p.Glu199=)

Gene: MMAA (metabolism of cobalamin associated A; plus strand). Cytogenetic location: 4q31.21.
Variant type: single nucleotide variant.
Coding change: c.597G>A on transcript NM_172250.3 (MANE Select); coding-DNA position 597, G replaced by A.
Protein change: p.Glu199=; no amino-acid change (glutamic acid 199 retained).
Molecular consequence: synonymous variant.
Genome position (GRCh38, 1-based): chr4:145,646,020, G>A. VCF-style: chr4-145646020-G-A. GRCh37 (hg19) VCF-style: chr4-146567172-G-A.
Other names: p.Glu199=.
Identifiers: ClinVar variation 347600 (VCV000347600.19), dbSNP rs116773849, ClinGen allele CA3095218.
Genomic context (GRCh38, chr4:145,646,020, plus strand): 5'-TTATAAAATGTAACTGTATGTTTTAGGATCACTCTTAGGTGATAAAACCCGAATGACTGA[G>A]TTATCAAGAGATATGAATGCATACATCAGGCCATCTCCTACTAGAGGAACTTTAGGAGGC-3'
Protein context (NP_758454.1, residues 189-209): SLLGDKTRMT[Glu199=]LSRDMNAYIR